The following is an entry in ClinVar:

NM_001193315.2(VIPAS39):c.504+9A>G

Gene: VIPAS39 (VPS33B interacting protein, apical-basolateral polarity regulator, spe-39 homolog; minus strand). Cytogenetic location: 14q24.3.
Variant type: single nucleotide variant.
Coding change: c.504+9A>G on transcript NM_001193315.2 (MANE Select); 9 bases into the intron after coding-DNA position 504, A replaced by G.
Molecular consequence: intron variant.
Genome position (GRCh38, 1-based): chr14:77,448,485, T>C on the plus strand (A>G on the coding strand, the complement: VIPAS39 is on the minus strand). VCF-style: chr14-77448485-T-C. GRCh37 (hg19) VCF-style: chr14-77914828-T-C.
Other names: c.357+9A>G (NM_001193316.2); c.504+9A>G (NM_022067.4, NM_001193317.2, NM_001193314.2).
Identifiers: ClinVar variation 593346 (VCV000593346.16), dbSNP rs371762531, ClinGen allele CA7288072.

ClinVar aggregate classification (germline): Conflicting classifications of pathogenicity. Review status: criteria provided, conflicting classifications (1 of 4 stars). 4 submissions from 4 submitters: Uncertain significance (1); Likely benign (2). 1 of the submissions does not count toward it. Last evaluated 2025-12-02.

Conditions:
VIPAS39-related disorder. Also called: VIPAS39-related condition.

Allele frequency attached by ClinVar (database versions not stated): gnomAD 0.00028 and 0.00025; TOPMed 0.00036; ExAC 0.00004; gnomAD exomes 0.00004 and 0.00005; 1000 Genomes Project 30x 0.00016; 1000 Genomes Project 0.00020; ESP Exome Variant Server 0.00023.
gnomAD v4.1: 91 of 1,614,154 alleles (0.0056%); highest among the groups gnomAD compares: African/African-American, 0.11%; no homozygotes.

Submissions (4):

Labcorp Genetics (formerly Invitae), Labcorp
Classification: Likely benign. Last evaluated: 2025-12-02. Review status: criteria provided, single submitter. Criteria: Invitae Variant Classification Sherloc (09022015). Collection method: clinical testing. Allele origin: germline.

Women's Health and Genetics/Laboratory Corporation of America, LabCorp
Classification: Likely benign. Last evaluated: 2024-10-04. Review status: criteria provided, single submitter. Criteria: LabCorp Variant Classification Summary - May 2015. Collection method: clinical testing. Allele origin: germline.

Eurofins Ntd Llc (ga)
Classification: Uncertain significance. Last evaluated: 2018-06-20. Review status: criteria provided, single submitter. Criteria: EGL ClinVar v180209 classification definitions. Collection method: clinical testing. Allele origin: germline. Observed: 2 variant alleles, 2 heterozygotes.

PreventionGenetics, part of Exact Sciences
Classification: Likely benign for VIPAS39-related condition. Last evaluated: 2021-10-27. Review status: no assertion criteria provided. Collection method: clinical testing. Allele origin: germline. Not counted in ClinVar's aggregate classification.
Comment: This variant is classified as likely benign based on ACMG/AMP sequence variant interpretation guidelines (Richards et al. 2015 PMID: 25741868, with internal and published modifications).